The following is an entry in ClinVar:

ClinVar aggregate classification (germline): Uncertain significance (1 of 4 stars; one submission).

Conditions:
CACNA1H-related disorder.

Submission:

3billion
Classification: Uncertain significance for CACNA1H-related disorder. Last evaluated: 2024-12-10. Review status: criteria provided, single submitter. Criteria: ACMG Guidelines, 2015. Collection method: clinical testing. Allele origin: germline. Affected: yes.
Comment: The variant is not observed in the gnomAD v4.1.0 dataset. Predicted Consequence/Location: Frameshift: predicted to result in a loss or disruption of normal protein function through protein truncation. The predicted truncated protein may be shortened by more than 10%. Therefore, this variant is classified as VUS according to the recommendation of ACMG/AMP guideline.

NM_021098.3(CACNA1H):c.6067dup (p.Ser2023fs)

Gene: CACNA1H (calcium voltage-gated channel subunit alpha1 H; plus strand). Cytogenetic location: 16p13.3.
Variant type: Duplication.
Coding change: c.6067dup on transcript NM_021098.3 (MANE Select); coding-DNA position 6067, one base duplicated (T; older notation c.6067dupT).
Protein change: p.Ser2023fs; shifts the reading frame from serine 2023.
Molecular consequence: frameshift variant.
Genome position (GRCh38, 1-based): chr16:1,219,999, T duplicated; the last of 2 consecutive T bases (chr16:1,219,998-1,219,999); duplicating either gives the same sequence. VCF-style (leftmost placement, unchanged base first): chr16-1219997-A-AT. GRCh37 (hg19) VCF-style: chr16-1269997-A-AT.
Other names: c.6049dup, p.Ser2017fs (NM_001005407.2); short protein forms S2017fs, S2023fs.
Identifiers: ClinVar variation 4292192 (VCV004292192.1).